The following is an entry in ClinVar:

NM_002161.6(IARS1):c.2704G>C (p.Gly902Arg)

Gene: IARS1 (isoleucyl-tRNA synthetase 1; minus strand). Cytogenetic location: 9q22.31.
Variant type: single nucleotide variant.
Coding change: c.2704G>C on transcript NM_002161.6 (MANE Select); coding-DNA position 2704, G replaced by C.
Protein change: p.Gly902Arg; replaces glycine 902 with arginine.
Molecular consequence: missense variant. On other transcripts: non-coding transcript variant (1).
Genome position (GRCh38, 1-based): chr9:92,247,464, C>G on the plus strand (G>C on the coding strand, the complement: IARS1 is on the minus strand). VCF-style: chr9-92247464-C-G. GRCh37 (hg19) VCF-style: chr9-95009746-C-G.
Other names: c.2704G>C, p.Gly902Arg (NM_001378575.1, NM_001378576.1, NM_001378577.1 and 9 more transcripts); c.2608G>C, p.Gly870Arg (NM_001378582.1); c.2581G>C, p.Gly861Arg (NM_001378583.1); c.2629G>C, p.Gly877Arg (NM_001378584.1, NM_001374299.1, NM_001374300.1); c.2620G>C, p.Gly874Arg (NM_001374301.1); c.2767G>C, p.Gly923Arg (NM_001378569.1); c.2725G>C, p.Gly909Arg (NM_001378571.1); short protein forms G877R, G902R, G923R, G870R, G874R, G861R, G909R.
Identifiers: ClinVar variation 1971675 (VCV001971675.5), dbSNP rs2490428530, ClinGen allele CA373811098.
Genomic context (GRCh38, chr9:92,247,464, plus strand): 5'-CACTGCTCAACTGCTTGATGGACGTCATCACTGCCTTAAAGGCTCCCTTCAGACGCTTCC[C>G]CAGGACCATGTGATCTGGTTCTGCCCTTAGCCGAATGCCATACTTGTTTTTATCTGTAGA-3'
Protein context (NP_002152.2, residues 892-912): LRAEPDHMVL[Gly902Arg]KRLKGAFKAV

ClinVar aggregate classification (germline): Uncertain significance (1 of 4 stars; one submission).

Submission:

Labcorp Genetics (formerly Invitae), Labcorp
Classification: Uncertain significance. Last evaluated: 2023-12-11. Review status: criteria provided, single submitter. Criteria: Invitae Variant Classification Sherloc (09022015). Collection method: clinical testing. Allele origin: germline.
Comment: This sequence change replaces glycine, which is neutral and non-polar, with arginine, which is basic and polar, at codon 902 of the IARS protein (p.Gly902Arg). This variant is not present in population databases (gnomAD no frequency). This variant has not been reported in the literature in individuals affected with IARS-related conditions. ClinVar contains an entry for this variant (Variation ID: 1971675). An algorithm developed to predict the effect of missense changes on protein structure and function (PolyPhen-2) suggests that this variant is likely to be disruptive. In summary, the available evidence is currently insufficient to determine the role of this variant in disease. Therefore, it has been classified as a Variant of Uncertain Significance.